The following is an entry in ClinVar:

ClinVar aggregate classification (germline): Likely pathogenic (1 of 4 stars; one submission).

Conditions:
Cardiovascular phenotype. Identifiers: MedGen CN230736.

Submission:

Ambry Genetics
Classification: Likely pathogenic for Cardiovascular phenotype. Last evaluated: 2021-05-26. Review status: criteria provided, single submitter. Criteria: Ambry Variant Classification Scheme 2023. Collection method: clinical testing. Allele origin: germline.
Comment: The c.69998_70007del10 variant, located in coding exon 176 of the TTN gene, results from a deletion of 10 nucleotides at nucleotide positions 69998 to 70007, causing a translational frameshift with a predicted alternate stop codon (p.D23333Vfs*32). This exon is located in the A-band region of the N2-B isoform of the titin protein and is constitutively expressed in TTN transcripts (percent spliced in or PSI 100%). This variant is considered to be rare based on population cohorts in the Genome Aggregation Database (gnomAD). This alteration is expected to result in loss of function by premature protein truncation or nonsense-mediated mRNA decay. While truncating variants in TTN are present in 1-3% of the general population, truncating variants in the A-band are the most common cause of dilated cardiomyopathy (DCM) (Herman DS et al. N. Engl. J. Med., 2012 Feb;366:619-28; Roberts AM et al. Sci Transl Med, 2015 Jan;7:270ra6). TTN truncating variants encoded in constitutive exons (PSI >90%) have been found to be significantly associated with DCM regardless of their position in titin (Schafer S et al. Nat. Genet., 2017 01;49:46-53). As such, this alteration is classified as likely pathogenic.

NM_003319.4(TTN):c.69998_70007del10

Genes: TTN (titin; minus strand), TTN-AS1 (TTN antisense RNA 1; plus strand). Cytogenetic location: 2q31.2.
Variant type: Deletion.
Coding change: c.69998_70007del10 on transcript NM_003319.4; coding-DNA positions 69998 to 70007, 10 bases deleted (ACAAGCCTGG; older notation c.69998_70007del10ACAAGCCTGG).
Molecular consequence: splice acceptor variant.
Genome position (GRCh38, 1-based): chr2:178,542,554-178,542,563, CCAGGCTTGT deleted on the plus strand (ACAAGCCTGG on the coding strand, the reverse complement: TTN is on the minus strand); deleting any 10 consecutive bases within chr2:178,542,554-178,542,564 gives the same sequence; the c. name uses the placement nearest the transcript's 3' end. VCF-style (leftmost placement, unchanged base first): chr2-178542553-ACCAGGCTTGT-A. GRCh37 (hg19) VCF-style: chr2-179407280-ACCAGGCTTGT-A.
Identifiers: ClinVar variation 1756497 (VCV001756497.2), dbSNP rs2468894140, ClinGen allele CA2580064584.